The following is an entry in ClinVar:

ClinVar aggregate classification (germline): Uncertain significance (1 of 4 stars; one submission).

Conditions:
Glycogen storage disease type III (GSD3). Also called: FORBES DISEASE; Cori disease. Identifiers: Orphanet 366, MedGen C0017922, MONDO:0009291, OMIM 232400.

Allele frequency attached by ClinVar (database versions not stated): gnomAD exomes below 0.00001; gnomAD 0.00001; 1000 Genomes Project 30x 0.00016; 1000 Genomes Project 0.00020.
gnomAD v4.1: 2 of 1,614,042 alleles (0.00012%); highest among the groups gnomAD compares: East Asian, 0.0022%; no homozygotes.

Submission:

Labcorp Genetics (formerly Invitae), Labcorp
Classification: Uncertain significance for Glycogen storage disease type III. Last evaluated: 2022-08-12. Review status: criteria provided, single submitter. Criteria: Invitae Variant Classification Sherloc (09022015). Collection method: clinical testing. Allele origin: germline.
Comment: In summary, the available evidence is currently insufficient to determine the role of this variant in disease. Therefore, it has been classified as a Variant of Uncertain Significance. This sequence change replaces glutamine, which is neutral and polar, with histidine, which is basic and polar, at codon 1162 of the AGL protein (p.Gln1162His). This variant is not present in population databases (gnomAD no frequency). This variant has not been reported in the literature in individuals affected with AGL-related conditions. Algorithms developed to predict the effect of missense changes on protein structure and function are either unavailable or do not agree on the potential impact of this missense change (SIFT: "Tolerated"; PolyPhen-2: "Probably Damaging"; Align-GVGD: "Class C0").

NM_000642.3(AGL):c.3486G>C (p.Gln1162His)

Gene: AGL (amylo-alpha-1,6-glucosidase and 4-alpha-glucanotransferase; plus strand). Cytogenetic location: 1p21.2.
Variant type: single nucleotide variant.
Coding change: c.3486G>C on transcript NM_000642.3 (MANE Select); coding-DNA position 3486, G replaced by C.
Protein change: p.Gln1162His; replaces glutamine 1162 with histidine.
Molecular consequence: missense variant.
Genome position (GRCh38, 1-based): chr1:99,900,759, G>C. VCF-style: chr1-99900759-G-C. GRCh37 (hg19) VCF-style: chr1-100366315-G-C.
Other names: c.3438G>C, p.Gln1146His (NM_000646.3); c.3486G>C, p.Gln1162His (NM_001425325.1, NM_000028.3, NM_000643.3 and 1 more transcripts); c.3465G>C, p.Gln1155His (NM_001425326.1); c.3285G>C, p.Gln1095His (NM_001425327.1); c.3282G>C, p.Gln1094His (NM_001425328.1); c.3147G>C, p.Gln1049His (NM_001425329.1); c.3108G>C, p.Gln1036His (NM_001425332.1); short protein forms Q1146H, Q1162H, Q1036H, Q1049H, Q1094H, Q1095H, Q1155H.
Identifiers: ClinVar variation 2101428 (VCV002101428.4), dbSNP rs200246710, ClinGen allele CA27539445.
Genomic context (GRCh38, chr1:99,900,759, plus strand): 5'-AGGAATTTATGCCAGATACAATTGTCGGGATGCTGTGTGGTGGTGGCTGCAGTGTATCCA[G>C]GATTACTGTAAAATGGTTCCAAATGGTCTAGACATTCTCAAGTGCCCAGTTTCCAGAATG-3'
Protein context (NP_000633.2, residues 1152-1172): DAVWWWLQCI[Gln1162His]DYCKMVPNGL